The following is an entry in ClinVar:

NM_007194.4(CHEK2):c.847-3T>C

Gene: CHEK2 (checkpoint kinase 2; minus strand). Cytogenetic location: 22q12.1.
Variant type: single nucleotide variant.
Coding change: c.847-3T>C on transcript NM_007194.4 (MANE Select); 3 bases into the intron before coding-DNA position 847, T replaced by C.
Molecular consequence: intron variant.
Genome position (GRCh38, 1-based): chr22:28,703,569, A>G on the plus strand (T>C on the coding strand, the complement: CHEK2 is on the minus strand). VCF-style: chr22-28703569-A-G. GRCh37 (hg19) VCF-style: chr22-29099557-A-G.
Other names: c.184-3T>C (NM_001437942.1, NM_001257387.3); c.646-3T>C (NM_001349956.3); c.847-3T>C (NM_145862.3); c.940-3T>C (NM_001438295.1, NM_001438293.1); c.976-3T>C (NM_001438294.1, NM_001005735.3).
Identifiers: ClinVar variation 4843225 (VCV004843225.1).

ClinVar aggregate classification (germline): Uncertain significance (1 of 4 stars; one submission).

Conditions:
Hereditary cancer-predisposing syndrome. Also called: Neoplastic Syndromes, Hereditary; Tumor predisposition; Hereditary Cancer Syndrome; Hereditary neoplastic syndrome. Identifiers: Orphanet 140162, MedGen C0027672, MeSH D009386, MONDO:0015356.

gnomAD v4.1: 1 of 1,554,186 alleles (0.000064%); highest among the groups gnomAD compares: Non-Finnish European, 0.000088%; no homozygotes.

Submission:

Ambry Genetics
Classification: Uncertain significance for Hereditary cancer-predisposing syndrome. Last evaluated: 2026-01-13. Review status: criteria provided, single submitter. Criteria: Ambry Variant Classification Scheme 2023. Collection method: clinical testing. Allele origin: germline.
Comment: The c.847-3T>C intronic variant results from a T to C substitution 3 nucleotides upstream from coding exon 7 in the CHEK2 gene. This nucleotide position is not well conserved in available vertebrate species. In silico splice site analysis predicts that this alteration will not have any significant effect on splicing. Based on the available evidence, the clinical significance of this variant remains unclear.